The following is an entry in ClinVar:

NM_152879.3(DGKD):c.1704C>G (p.Pro568=)

Gene: DGKD (diacylglycerol kinase delta; plus strand). Cytogenetic location: 2q37.1.
Variant type: single nucleotide variant.
Coding change: c.1704C>G on transcript NM_152879.3 (MANE Select); coding-DNA position 1704, C replaced by G.
Protein change: p.Pro568=; no amino-acid change (proline 568 retained).
Molecular consequence: synonymous variant.
Genome position (GRCh38, 1-based): chr2:233,449,192, C>G. VCF-style: chr2-233449192-C-G. GRCh37 (hg19) VCF-style: chr2-234357838-C-G.
Other names: c.1572C>G, p.Pro524= (NM_003648.3).
Identifiers: ClinVar variation 778051 (VCV000778051.29), dbSNP rs2228937, ClinGen allele CA2175352.
Genomic context (GRCh38, chr2:233,449,192, plus strand): 5'-CCTTCTCAAGACCTTGGACGATGAGTCCCAGGCCTCGTCCTCTCTGCCCAACCCGCCCCC[C>G]ACCATTGCCGAGGAGGCTGAAGATGGAGATGGGTCGGGCAGCATCTGCGGTTCCACCGGA-3'
Protein context (NP_690618.2, residues 558-578): QASSSLPNPP[Pro568=]TIAEEAEDGD

ClinVar aggregate classification (germline): Benign/Likely benign. Review status: criteria provided, multiple submitters, no conflicts (2 of 4 stars). 4 submissions from 4 submitters: Benign (2); Likely benign (1). 1 of the submissions does not count toward it. Last evaluated 2023-02-01.

Conditions:
DGKD-related disorder. Also called: DGKD-related condition.

Allele frequency attached by ClinVar (database versions not stated): TOPMed 0.00466; ESP Exome Variant Server 0.00500; 1000 Genomes Project 30x 0.00094; 1000 Genomes Project 0.00100.
gnomAD v4.1: 7,950 of 1,613,836 alleles (0.49%); highest among the groups gnomAD compares: Middle Eastern, 0.63%; 33 homozygotes.

Submissions (4):

CeGaT Center for Human Genetics Tuebingen
Classification: Likely benign. Last evaluated: 2023-02-01. Review status: criteria provided, single submitter. Criteria: CeGaT Center For Human Genetics Tuebingen Variant Classification Criteria Version 2. Collection method: clinical testing. Allele origin: germline. Affected: yes. Observed: 1 variant allele.
Comment: DGKD: BP4, BP7, BS2

Labcorp Genetics (formerly Invitae), Labcorp
Classification: Benign. Last evaluated: 2018-10-19. Review status: criteria provided, single submitter. Criteria: Invitae Variant Classification Sherloc (09022015). Collection method: clinical testing. Allele origin: germline.

Breakthrough Genomics
Classification: Benign. Review status: criteria provided, single submitter. Criteria: ACMG Guidelines, 2015. Collection method: not provided. Allele origin: germline. Inheritance: Unknown mechanism. Affected: yes.

PreventionGenetics, part of Exact Sciences
Classification: Benign for DGKD-related condition. Last evaluated: 2019-03-12. Review status: no assertion criteria provided. Collection method: clinical testing. Allele origin: germline. Not counted in ClinVar's aggregate classification.
Comment: This variant is classified as benign based on ACMG/AMP sequence variant interpretation guidelines (Richards et al. 2015 PMID: 25741868, with internal and published modifications).